The following is an entry in ClinVar:

NM_015338.6(ASXL1):c.3770C>T (p.Ala1257Val)

Gene: ASXL1 (ASXL transcriptional regulator 1; plus strand). Cytogenetic location: 20q11.21.
Variant type: single nucleotide variant.
Coding change: c.3770C>T on transcript NM_015338.6 (MANE Select); coding-DNA position 3770, C replaced by T.
Protein change: p.Ala1257Val; replaces alanine 1257 with valine.
Molecular consequence: missense variant.
Genome position (GRCh38, 1-based): chr20:32,436,482, C>T. VCF-style: chr20-32436482-C-T. GRCh37 (hg19) VCF-style: chr20-31024285-C-T.
Other names: c.3587C>T, p.Ala1196Val (NM_001363734.1); short protein forms A1196V, A1257V.
Identifiers: ClinVar variation 4843648 (VCV004843648.1).

ClinVar aggregate classification (germline): Uncertain significance (1 of 4 stars; one submission).

Conditions:
Inborn genetic diseases. Identifiers: MedGen C0950123, MeSH D030342.

gnomAD v4.1: 8 of 1,614,058 alleles (0.0005%); highest among the groups gnomAD compares: Non-Finnish European, 0.00068%; no homozygotes.

Submission:

Ambry Genetics
Classification: Uncertain significance for Inborn genetic diseases. Last evaluated: 2025-12-22. Review status: criteria provided, single submitter. Criteria: Ambry Variant Classification Scheme 2023. Collection method: clinical testing. Allele origin: germline.
Comment: The p.A1257V variant (also known as c.3770C>T), located in coding exon 13 of the ASXL1 gene, results from a C to T substitution at nucleotide position 3770. The alanine at codon 1257 is replaced by valine, an amino acid with similar properties. This amino acid position is conserved. In addition, this alteration is predicted to be tolerated by in silico analysis. Based on the available evidence, the clinical significance of this variant remains unclear.